The following is an entry in ClinVar:

NM_000170.3(GLDC):c.2167C>T (p.Gln723Ter)

Gene: GLDC (glycine decarboxylase; minus strand). Cytogenetic location: 9p24.1.
Variant type: single nucleotide variant.
Coding change: c.2167C>T on transcript NM_000170.3 (MANE Select); coding-DNA position 2167, C replaced by T.
Protein change: p.Gln723Ter; replaces glutamine 723 with a stop codon.
Molecular consequence: nonsense.
Genome position (GRCh38, 1-based): chr9:6,556,188, G>A on the plus strand (C>T on the coding strand, the complement: GLDC is on the minus strand). VCF-style: chr9-6556188-G-A. GRCh37 (hg19) VCF-style: chr9-6556188-G-A.
Other names: short protein forms Q723*.
Identifiers: ClinVar variation 873439 (VCV000873439.7), dbSNP rs779434645, ClinGen allele CA188650936.
Genomic context (GRCh38, chr9:6,556,188, plus strand): 5'-AAGGGCGGGCCTCTTCAGTTCCCACCTGAGCATTCATATTTGCCCCGTCTAGGTAGACCT[G>A]TCCTCCATGTTGATGGATGAGGTCACACACGTCACTGATGTTCTCTTCAAACACCCCATT-3'

ClinVar aggregate classification (germline): Pathogenic/Likely pathogenic. Review status: criteria provided, multiple submitters, no conflicts (2 of 4 stars). 2 submissions from 2 submitters: Pathogenic (1); Likely pathogenic (1). Last evaluated 2025-09-15.

Conditions:
Glycine encephalopathy. Also called: Nonketotic hyperglycinemia; Non-ketotic hyperglycinemia. Identifiers: Orphanet 407, MedGen C0751748, MONDO:0011612, HP:0008288.

gnomAD v4.1: 2 of 1,613,146 alleles (0.00012%); highest among the groups gnomAD compares: South Asian, 0.0011%; no homozygotes.

Submissions (2):

Labcorp Genetics (formerly Invitae), Labcorp
Classification: Pathogenic for Glycine encephalopathy. Last evaluated: 2025-09-15. Review status: criteria provided, single submitter. Criteria: Invitae Variant Classification Sherloc (09022015). Collection method: clinical testing. Allele origin: germline.
Comment: This sequence change creates a premature translational stop signal (p.Gln723*) in the GLDC gene. It is expected to result in an absent or disrupted protein product. Loss-of-function variants in GLDC are known to be pathogenic (PMID: 16601880). This variant is present in population databases (no rsID available, gnomAD 0.003%). This variant has not been reported in the literature in individuals affected with GLDC-related conditions. ClinVar contains an entry for this variant (Variation ID: 873439). Algorithms developed to predict the effect of sequence changes on RNA splicing suggest that this variant may disrupt the consensus splice site. For these reasons, this variant has been classified as Pathogenic.

Institute of Human Genetics, University of Leipzig Medical Center
Classification: Likely pathogenic for Glycine encephalopathy 1. Last evaluated: 2019-10-02. Review status: criteria provided, single submitter. Criteria: ACMG Guidelines, 2015. Collection method: clinical testing. Allele origin: germline. Affected: yes.
Comment: The variant was confirmed as compound heterozygous with a likely pathogenic variant (NM_000170.2: c.1072A>T).

Literature cited by the submitters: PubMed 16601880 (cited by Labcorp Genetics (formerly Invitae), Labcorp).